The following is an entry in ClinVar:

ClinVar aggregate classification (germline): Uncertain significance (1 of 4 stars; one submission).

Allele frequency attached by ClinVar (database versions not stated): gnomAD exomes below 0.00001; gnomAD 0.00001; TOPMed 0.00001.

Submission:

Labcorp Genetics (formerly Invitae), Labcorp
Classification: Uncertain significance. Last evaluated: 2022-02-18. Review status: criteria provided, single submitter. Criteria: Invitae Variant Classification Sherloc (09022015). Collection method: clinical testing. Allele origin: germline.
Comment: In summary, the available evidence is currently insufficient to determine the role of this variant in disease. Therefore, it has been classified as a Variant of Uncertain Significance. Algorithms developed to predict the effect of missense changes on protein structure and function are either unavailable or do not agree on the potential impact of this missense change (SIFT: "Deleterious"; PolyPhen-2: "Possibly Damaging"; Align-GVGD: "Class C0"). This variant has not been reported in the literature in individuals affected with RGS9BP-related conditions. This variant is not present in population databases (gnomAD no frequency). This sequence change replaces phenylalanine, which is neutral and non-polar, with serine, which is neutral and polar, at codon 82 of the RGS9BP protein (p.Phe82Ser).

NM_207391.3(RGS9BP):c.245T>C (p.Phe82Ser)

Genes: RGS9BP (regulator of G protein signaling 9 binding protein; plus strand), LOC130064161 (ATAC-STARR-seq lymphoblastoid active region 14432; plus strand). Cytogenetic location: 19q13.11.
Variant type: single nucleotide variant.
Coding change: c.245T>C on transcript NM_207391.3 (MANE Select); coding-DNA position 245, T replaced by C.
Protein change: p.Phe82Ser; replaces phenylalanine 82 with serine.
Molecular consequence: missense variant.
Genome position (GRCh38, 1-based): chr19:32,676,508, T>C. VCF-style: chr19-32676508-T-C. GRCh37 (hg19) VCF-style: chr19-33167414-T-C.
Other names: short protein forms F82S.
Identifiers: ClinVar variation 1946854 (VCV001946854.5), dbSNP rs1968002413, ClinGen allele CA405186089.